The following is an entry in ClinVar:

NM_000094.4(COL7A1):c.1357+2T>A

Gene: COL7A1 (collagen type VII alpha 1 chain; minus strand). Cytogenetic location: 3p21.31.
Variant type: single nucleotide variant.
Coding change: c.1357+2T>A on transcript NM_000094.4 (MANE Select); the canonical splice donor site of the intron after coding-DNA position 1357, T replaced by A.
Molecular consequence: splice donor variant.
Genome position (GRCh38, 1-based): chr3:48,591,896, A>T on the plus strand (T>A on the coding strand, the complement: COL7A1 is on the minus strand). VCF-style: chr3-48591896-A-T. GRCh37 (hg19) VCF-style: chr3-48629329-A-T.
Identifiers: ClinVar variation 2027733 (VCV002027733.4), dbSNP rs1575490093, ClinGen allele CA352735445.

ClinVar aggregate classification (germline): Likely pathogenic (1 of 4 stars; one submission).

Submission:

Labcorp Genetics (formerly Invitae), Labcorp
Classification: Likely pathogenic. Last evaluated: 2024-08-21. Review status: criteria provided, single submitter. Criteria: Invitae Variant Classification Sherloc (09022015). Collection method: clinical testing. Allele origin: germline.
Comment: This sequence change affects a donor splice site in intron 10 of the COL7A1 gene. It is expected to disrupt RNA splicing. Variants that disrupt the donor or acceptor splice site typically lead to a loss of protein function (PMID: 16199547), and loss-of-function variants in COL7A1 are known to be pathogenic (PMID: 16971478). This variant is not present in population databases (gnomAD no frequency). This variant has not been reported in the literature in individuals affected with COL7A1-related conditions. ClinVar contains an entry for this variant (Variation ID: 2027733). Algorithms developed to predict the effect of sequence changes on RNA splicing suggest that this variant may disrupt the consensus splice site. In summary, the currently available evidence indicates that the variant is pathogenic, but additional data are needed to prove that conclusively. Therefore, this variant has been classified as Likely Pathogenic.

Literature cited by the submitters: PubMed 16199547; PubMed 16971478.